The following is an entry in ClinVar:

NM_030665.4(RAI1):c.2541C>T (p.Thr847=)

Gene: RAI1 (retinoic acid induced 1; plus strand). Cytogenetic location: 17p11.2.
Variant type: single nucleotide variant.
Coding change: c.2541C>T on transcript NM_030665.4 (MANE Select); coding-DNA position 2541, C replaced by T.
Protein change: p.Thr847=; no amino-acid change (threonine 847 retained).
Molecular consequence: synonymous variant.
Genome position (GRCh38, 1-based): chr17:17,795,489, C>T. VCF-style: chr17-17795489-C-T. GRCh37 (hg19) VCF-style: chr17-17698803-C-T.
Other names: c.2541C>T (NM_030665.3).
Identifiers: ClinVar variation 1899772 (VCV001899772.6), dbSNP rs761245891, ClinGen allele CA8418560.
Genomic context (GRCh38, chr17:17,795,489, plus strand): 5'-GTGCCCCGAGGTGGCCAAGGCTGACCGGTGGCTGGAGGACAGCCGGCACTGCTGTTCCAC[C>T]GCCGACTTCGGGGACCTCCCACTGCTGCCACCCACCAGCAGGAAGGAGGACCTGGAAGCT-3'
Protein context (NP_109590.3, residues 837-857): WLEDSRHCCS[Thr847=]ADFGDLPLLP

ClinVar aggregate classification (germline): Likely benign. Review status: criteria provided, multiple submitters, no conflicts (2 of 4 stars). 2 submissions from 2 submitters: Likely benign (2). Last evaluated 2026-01-27.

Conditions:
RAI1-related disorder. Also called: RAI1-related condition.

Allele frequency attached by ClinVar (database versions not stated): ExAC 0.00002; gnomAD exomes 0.00002; gnomAD 0.00003; TOPMed 0.00003.
gnomAD v4.1: 27 of 1,584,342 alleles (0.0017%); highest among the groups gnomAD compares: African/African-American, 0.004%; no homozygotes.

Submissions (2):

PreventionGenetics, part of Exact Sciences
Classification: Likely benign for RAI1-related condition. Last evaluated: 2026-01-27. Review status: criteria provided, single submitter. Criteria: ACMG Guidelines, 2015. Collection method: clinical testing. Allele origin: germline.
Comment: This variant is classified as likely benign based on ACMG/AMP sequence variant interpretation guidelines (Richards et al. 2015 PMID: 25741868, with internal and published modifications).

Labcorp Genetics (formerly Invitae), Labcorp
Classification: Likely benign. Last evaluated: 2024-08-27. Review status: criteria provided, single submitter. Criteria: Invitae Variant Classification Sherloc (09022015). Collection method: clinical testing. Allele origin: germline.